The following is an entry in ClinVar:

NM_014055.4(IFT81):c.1733T>C (p.Leu578Pro)

Gene: IFT81 (intraflagellar transport 81; plus strand). Cytogenetic location: 12q24.11.
Variant type: single nucleotide variant.
Coding change: c.1733T>C on transcript NM_014055.4 (MANE Select); coding-DNA position 1733, T replaced by C.
Protein change: p.Leu578Pro; replaces leucine 578 with proline.
Molecular consequence: missense variant. On other transcripts: non-coding transcript variant (4).
Genome position (GRCh38, 1-based): chr12:110,205,611, T>C. VCF-style: chr12-110205611-T-C. GRCh37 (hg19) VCF-style: chr12-110643416-T-C.
Other names: c.1733T>C, p.Leu578Pro (NM_001143779.2); c.803T>C, p.Leu268Pro (NM_001347947.2, NM_001347948.2); short protein forms L268P, L578P.
Identifiers: ClinVar variation 1046061 (VCV001046061.7), dbSNP rs202213553, ClinGen allele CA6783472.

ClinVar aggregate classification (germline): Uncertain significance. Review status: criteria provided, multiple submitters, no conflicts (2 of 4 stars). 2 submissions from 2 submitters: Uncertain significance (2). Last evaluated 2023-07-10.

Allele frequency attached by ClinVar (database versions not stated): gnomAD 0.00002 and 0.00003; gnomAD exomes 0.00002 and 0.00003; TOPMed 0.00002; ExAC 0.00005; ESP Exome Variant Server 0.00009.
gnomAD v4.1: 25 of 1,602,578 alleles (0.0016%); highest among the groups gnomAD compares: Non-Finnish European, 0.0021%; no homozygotes.

Submissions (2):

Blueprint Genetics
Classification: Uncertain significance. Last evaluated: 2023-07-10. Review status: criteria provided, single submitter. Criteria: ACMG Guidelines, 2015. Collection method: clinical testing. Allele origin: germline.

Labcorp Genetics (formerly Invitae), Labcorp
Classification: Uncertain significance. Last evaluated: 2022-03-02. Review status: criteria provided, single submitter. Criteria: Invitae Variant Classification Sherloc (09022015). Collection method: clinical testing. Allele origin: germline.
Comment: This sequence change replaces leucine, which is neutral and non-polar, with proline, which is neutral and non-polar, at codon 578 of the IFT81 protein (p.Leu578Pro). This variant is present in population databases (rs202213553, gnomAD 0.007%). This variant has not been reported in the literature in individuals affected with IFT81-related conditions. ClinVar contains an entry for this variant (Variation ID: 1046061). Algorithms developed to predict the effect of missense changes on protein structure and function are either unavailable or do not agree on the potential impact of this missense change (SIFT: "Deleterious"; PolyPhen-2: "Possibly Damaging"; Align-GVGD: "Class C0"). In summary, the available evidence is currently insufficient to determine the role of this variant in disease. Therefore, it has been classified as a Variant of Uncertain Significance.